The following is an entry in ClinVar:

ClinVar aggregate classification (germline): Uncertain significance (1 of 4 stars; one submission).

gnomAD v4.1: 8 of 1,614,068 alleles (0.0005%); highest among the groups gnomAD compares: South Asian, 0.0088%; no homozygotes.

Submission:

Labcorp Genetics (formerly Invitae), Labcorp
Classification: Uncertain significance. Last evaluated: 2025-04-24. Review status: criteria provided, single submitter. Criteria: Invitae Variant Classification Sherloc (09022015). Collection method: clinical testing. Allele origin: germline.
Comment: This sequence change replaces glycine, which is neutral and non-polar, with serine, which is neutral and polar, at codon 884 of the IGSF10 protein (p.Gly884Ser). This variant is present in population databases (rs540270721, gnomAD 0.006%). This variant has not been reported in the literature in individuals affected with IGSF10-related conditions. An algorithm developed to predict the effect of missense changes on protein structure and function outputs the following: PolyPhen-2: "Benign". The serine amino acid residue is found in multiple mammalian species, which suggests that this missense change does not adversely affect protein function. In summary, the available evidence is currently insufficient to determine the role of this variant in disease. Therefore, it has been classified as a Variant of Uncertain Significance.

NM_178822.5(IGSF10):c.2650G>A (p.Gly884Ser)

Gene: IGSF10 (immunoglobulin superfamily member 10; minus strand). Cytogenetic location: 3q25.1.
Variant type: single nucleotide variant.
Coding change: c.2650G>A on transcript NM_178822.5 (MANE Select); coding-DNA position 2650, G replaced by A.
Protein change: p.Gly884Ser; replaces glycine 884 with serine.
Molecular consequence: missense variant.
Genome position (GRCh38, 1-based): chr3:151,447,331, C>T on the plus strand (G>A on the coding strand, the complement: IGSF10 is on the minus strand). VCF-style: chr3-151447331-C-T. GRCh37 (hg19) VCF-style: chr3-151165119-C-T.
Other names: c.2650G>A, p.Gly884Ser (NM_001385060.1, NM_001385061.1, NM_001385062.1 and 1 more transcripts); short protein forms G884S.
Identifiers: ClinVar variation 4700543 (VCV004700543.1).